The following is an entry in ClinVar:

NM_004380.3(CREBBP):c.2902A>G (p.Ile968Val)

Gene: CREBBP (CREB binding lysine acetyltransferase; minus strand). Cytogenetic location: 16p13.3.
Variant type: single nucleotide variant.
Coding change: c.2902A>G on transcript NM_004380.3 (MANE Select); coding-DNA position 2902, A replaced by G.
Protein change: p.Ile968Val; replaces isoleucine 968 with valine.
Molecular consequence: missense variant.
Genome position (GRCh38, 1-based): chr16:3,769,332, T>C on the plus strand (A>G on the coding strand, the complement: CREBBP is on the minus strand). VCF-style: chr16-3769332-T-C. GRCh37 (hg19) VCF-style: chr16-3819333-T-C.
Other names: c.2788A>G, p.Ile930Val (NM_001079846.1); short protein forms I968V, I930V.
Identifiers: ClinVar variation 4989428 (VCV004989428.1).
Genomic context (GRCh38, chr16:3,769,332, plus strand): 5'-GCTGCTGGGAATTGGTTTCTGCGCTGGCCACCGAGGAGGGGGTAGGGACTCTGTTATCAA[T>C]GCTGGCTGCTGCCTGGGAAAGCTGTGAAAAAACCGAAAGCACTGACTTCAGTAAGCAAGG-3'
Protein context (NP_004371.2, residues 958-978): GTPLSQAAAS[Ile968Val]DNRVPTPSSV

ClinVar aggregate classification (germline): Uncertain significance (1 of 4 stars; one submission).

Conditions:
CREBBP-related disorder. Also called: CREBBP-related disorders; CREBBP-related condition.

gnomAD v4.1: 4 of 1,614,232 alleles (0.00025%); highest among the groups gnomAD compares: Non-Finnish European, 0.00034%; no homozygotes.

Submission:

PreventionGenetics, part of Exact Sciences
Classification: Uncertain significance for CREBBP-related condition. Last evaluated: 2025-08-29. Review status: criteria provided, single submitter. Criteria: ACMG Guidelines, 2015. Collection method: clinical testing. Allele origin: germline.
Comment: The CREBBP c.2902A>G variant is predicted to result in the amino acid substitution p.Ile968Val. To our knowledge, this variant has not been reported in the literature or in a large population database (gnomAD), indicating this variant is rare. At this time, the clinical significance of this variant is uncertain due to the absence of conclusive functional and genetic evidence.